The following is an entry in ClinVar:

NM_001379291.1(BRD4):c.2006G>A (p.Arg669His)

Gene: BRD4 (bromodomain containing 4; minus strand). Cytogenetic location: 19p13.12.
Variant type: single nucleotide variant.
Coding change: c.2006G>A on transcript NM_001379291.1 (MANE Select); coding-DNA position 2006, G replaced by A.
Protein change: p.Arg669His; replaces arginine 669 with histidine.
Molecular consequence: missense variant.
Genome position (GRCh38, 1-based): chr19:15,255,338, C>T on the plus strand (G>A on the coding strand, the complement: BRD4 is on the minus strand). VCF-style: chr19-15255338-C-T. GRCh37 (hg19) VCF-style: chr19-15366149-C-T.
Other names: c.2006G>A, p.Arg669His (NM_001330384.2, NM_001379292.1, NM_014299.3 and 1 more transcripts); short protein forms R669H.
Identifiers: ClinVar variation 2188855 (VCV002188855.4), dbSNP rs35824241, ClinGen allele CA9265242.

ClinVar aggregate classification (germline): Uncertain significance (1 of 4 stars; one submission).

Allele frequency attached by ClinVar (database versions not stated): TOPMed 0.00002; ExAC 0.00003; gnomAD 0.00003; gnomAD exomes 0.00003.
gnomAD v4.1: 54 of 1,613,896 alleles (0.0033%); highest among the groups gnomAD compares: Admixed American, 0.0067%; no homozygotes.

Submission:

Labcorp Genetics (formerly Invitae), Labcorp
Classification: Uncertain significance. Last evaluated: 2022-06-07. Review status: criteria provided, single submitter. Criteria: Invitae Variant Classification Sherloc (09022015). Collection method: clinical testing. Allele origin: germline.
Comment: This sequence change replaces arginine, which is basic and polar, with histidine, which is basic and polar, at codon 669 of the BRD4 protein (p.Arg669His). This variant is present in population databases (rs35824241, gnomAD 0.01%). This variant has not been reported in the literature in individuals affected with BRD4-related conditions. Algorithms developed to predict the effect of missense changes on protein structure and function are either unavailable or do not agree on the potential impact of this missense change (SIFT: "Deleterious"; PolyPhen-2: "Possibly Damaging"; Align-GVGD: "Class C0"). In summary, the available evidence is currently insufficient to determine the role of this variant in disease. Therefore, it has been classified as a Variant of Uncertain Significance.